The following is an entry in ClinVar:

ClinVar aggregate classification (germline): Uncertain significance (1 of 4 stars; one submission).

Allele frequency attached by ClinVar (database versions not stated): ExAC 0.00002; TOPMed 0.00009; gnomAD 0.00011.
gnomAD v4.1: 37 of 1,614,102 alleles (0.0023%); highest among the groups gnomAD compares: African/African-American, 0.044%; no homozygotes.

Submission:

Ambry Genetics
Classification: Uncertain significance. Last evaluated: 2024-11-18. Review status: criteria provided, single submitter. Criteria: Ambry Variant Classification Scheme 2023. Collection method: clinical testing. Allele origin: germline.
Comment: The p.K211T variant (also known as c.632A>C), located in coding exon 1 of the CDK12 gene, results from an A to C substitution at nucleotide position 632. The lysine at codon 211 is replaced by threonine, an amino acid with similar properties. This amino acid position is conserved. In addition, this alteration is predicted to be tolerated by in silico analysis. Based on the available evidence, the clinical significance of this variant remains unclear.

NM_016507.4(CDK12):c.632A>C (p.Lys211Thr)

Genes: CDK12 (cyclin dependent kinase 12; plus strand), LOC126862553 (CDK7 strongly-dependent group 2 enhancer GRCh37_chr17:37618166-37619365; plus strand). Cytogenetic location: 17q12.
Variant type: single nucleotide variant.
Coding change: c.632A>C on transcript NM_016507.4 (MANE Select); coding-DNA position 632, A replaced by C.
Protein change: p.Lys211Thr; replaces lysine 211 with threonine.
Molecular consequence: missense variant.
Genome position (GRCh38, 1-based): chr17:39,462,703, A>C. VCF-style: chr17-39462703-A-C. GRCh37 (hg19) VCF-style: chr17-37618956-A-C.
Other names: c.632A>C, p.Lys211Thr (NM_015083.4); short protein forms K211T.
Identifiers: ClinVar variation 3141484 (VCV003141484.2), dbSNP rs778493744, ClinGen allele CA8531005.